The following is an entry in ClinVar:

NM_032447.5(FBN3):c.3220G>A (p.Glu1074Lys)

Gene: FBN3 (fibrillin 3; minus strand). Cytogenetic location: 19p13.2.
Variant type: single nucleotide variant.
Coding change: c.3220G>A on transcript NM_032447.5 (MANE Select); coding-DNA position 3220, G replaced by A.
Protein change: p.Glu1074Lys; replaces glutamic acid 1074 with lysine.
Molecular consequence: missense variant.
Genome position (GRCh38, 1-based): chr19:8,119,014, C>T on the plus strand (G>A on the coding strand, the complement: FBN3 is on the minus strand). VCF-style: chr19-8119014-C-T. GRCh37 (hg19) VCF-style: chr19-8183898-C-T.
Other names: c.3220G>A, p.Glu1074Lys (NM_001321431.2); short protein forms E1074K.
Identifiers: ClinVar variation 1399572 (VCV001399572.6), dbSNP rs771967808, ClinGen allele CA9152510.

ClinVar aggregate classification (germline): Uncertain significance (1 of 4 stars; one submission).

Allele frequency attached by ClinVar (database versions not stated): gnomAD 0.00001; TOPMed 0.00002; gnomAD exomes 0.00003 and 0.00006; ExAC 0.00007.
gnomAD v4.1: 45 of 1,599,456 alleles (0.0028%); highest among the groups gnomAD compares: Middle Eastern, 0.033%; no homozygotes.

Submission:

Labcorp Genetics (formerly Invitae), Labcorp
Classification: Uncertain significance. Last evaluated: 2022-11-01. Review status: criteria provided, single submitter. Criteria: Invitae Variant Classification Sherloc (09022015). Collection method: clinical testing. Allele origin: germline.
Comment: This sequence change replaces glutamic acid, which is acidic and polar, with lysine, which is basic and polar, at codon 1074 of the FBN3 protein (p.Glu1074Lys). In summary, the available evidence is currently insufficient to determine the role of this variant in disease. Therefore, it has been classified as a Variant of Uncertain Significance. Advanced modeling of protein sequence and biophysical properties (such as structural, functional, and spatial information, amino acid conservation, physicochemical variation, residue mobility, and thermodynamic stability) performed at Invitae indicates that this missense variant is expected to disrupt FBN3 protein function. ClinVar contains an entry for this variant (Variation ID: 1399572). This variant has not been reported in the literature in individuals affected with FBN3-related conditions. This variant is present in population databases (rs771967808, gnomAD 0.03%).